The following is an entry in ClinVar:

NM_017780.4(CHD7):c.5405-17G>A

Gene: CHD7 (chromodomain helicase DNA binding protein 7; plus strand). Cytogenetic location: 8q12.2.
Variant type: single nucleotide variant.
Coding change: c.5405-17G>A on transcript NM_017780.4 (MANE Select); 17 bases into the intron before coding-DNA position 5405, G replaced by A.
Molecular consequence: intron variant.
Genome position (GRCh38, 1-based): chr8:60,850,476, G>A. VCF-style: chr8-60850476-G-A. GRCh37 (hg19) VCF-style: chr8-61763035-G-A.
Other names: c.5405-17G>A (LRG_176t1); c.1717-11753G>A (NM_001316690.1).
Identifiers: ClinVar variation 195978 (VCV000195978.66), dbSNP rs794727423, ClinGen allele CA242708.

ClinVar aggregate classification (germline): Pathogenic. Review status: criteria provided, multiple submitters, no conflicts (2 of 4 stars). 15 submissions from 15 submitters: Pathogenic (13). 2 of the submissions do not count toward it. Last evaluated 2026-06-10.

Conditions:
Inborn genetic diseases. Identifiers: MedGen C0950123, MeSH D030342.
CHD7-related CHARGE syndrome. Identifiers: MedGen CN380413, MONDO:1010178, OMIM 214800.
CHARGE syndrome (CHARGE). Also called: Coloboma, heart anomaly, choanal atresia, retardation, genital and ear anomalies; CHARGE association; Hall-Hittner syndrome; CHARGE ASSOCIATION--COLOBOMA, HEART ANOMALY, CHOANAL ATRESIA, RETARDATION, GENITAL AND EAR ANOMALIES; Hittner Hirsch Kreh syndrome. Identifiers: Orphanet 138, MedGen C0265354, MONDO:0008965.
Hypogonadotropic hypogonadism 5 with or without anosmia (KAL5). Also called: HYPOGONADOTROPIC HYPOGONADISM 5 WITH ANOSMIA; HYPOGONADOTROPHIC HYPOGONADISM 5 WITHOUT ANOSMIA; CHD7-Related GnRH Deficiency (Kallmann Syndrome 5). Identifiers: Orphanet 478, MedGen C3552553, MONDO:0012880, OMIM 612370. Disease mechanism: loss of function.

Submissions (15):

Ambry Genetics
Classification: Pathogenic for Inborn genetic diseases. Last evaluated: 2026-06-10. Review status: criteria provided, single submitter. Criteria: Ambry Variant Classification Scheme 2023. Collection method: clinical testing. Allele origin: germline.
Comment: The c.5405-17G>A intronic alteration consists of a G to A substitution 17 nucleotides before coding exon 25 of the CHD7 gene. This variant was not reported in population-based cohorts in the Genome Aggregation Database (gnomAD). This variant was reported in individual(s) with features consistent with CHARGE syndrome; in at least one individual, it was determined to be de novo (Jongmans, 2006; Vuorela, 2007; Bilan, 2012; Wong, 2015; Sohn, 2016; Ambry internal data). This nucleotide position is poorly conserved in available vertebrate species. In silico splice site analysis predicts that this alteration will weaken the native splice acceptor site and will result in the creation or strengthening of a novel splice acceptor site. Based on the available evidence, this alteration is classified as pathogenic.

Medical and Scientific Branch, Hong Kong Genome Institute
Classification: Pathogenic for CHD7-related CHARGE syndrome. Last evaluated: 2026-01-26. Review status: criteria provided, single submitter. Criteria: ACMG Guidelines, 2015. Collection method: clinical testing. Allele origin: de novo. Affected: yes.

Labcorp Genetics (formerly Invitae), Labcorp
Classification: Pathogenic for CHARGE syndrome. Last evaluated: 2026-01-19. Review status: criteria provided, single submitter. Criteria: Invitae Variant Classification Sherloc (09022015). Collection method: clinical testing. Allele origin: germline.
Comment: This sequence change falls in intron 25 of the CHD7 gene. It does not directly change the encoded amino acid sequence of the CHD7 protein. This variant is not present in population databases (gnomAD no frequency). This variant has been observed in individual(s) with CHARGE syndrome (PMID: 16155193, 22033296, 26538304, 26544072). In at least one individual the variant was observed to be de novo. ClinVar contains an entry for this variant (Variation ID: 195978). Algorithms developed to predict the effect of sequence changes on RNA splicing suggest that this variant may disrupt the consensus splice site. For these reasons, this variant has been classified as Pathogenic.

Victorian Clinical Genetics Services, Murdoch Childrens Research Institute
Classification: Pathogenic for CHD7-related CHARGE syndrome. Last evaluated: 2025-11-17. Review status: criteria provided, single submitter. Criteria: ACMG Guidelines, 2015. Collection method: clinical testing. Allele origin: germline. Affected: yes.
Comment: This variant is classified as Pathogenic. Evidence in support of pathogenic classification: Splice site variant proven to affect splicing of the transcript with uncertain effect on protein sequence. Although the variant does not lie within the splice site region of intron 25, a minigene assay demonstrated activation of a cryptic splice site. An inframe insertion of 5 amino acids was predicted (p.(His1801_Gly1802insAspGlyHisGlyThr)) (PMID: 29255276); Variant is absent from gnomAD (v2, v3 and v4); This variant has strong previous evidence of pathogenicity in unrelated individuals. This variant has been classified as pathogenic/likely pathogenic by clinical laboratories in ClinVar, and has been reported in the literature in at least ten individuals with CHARGE syndrome, several of whom were proven to be de novo for this variant (PMID: 29255276); Variant is located in a hotspot region or cluster of pathogenic variants. Intron 25 has been described as a hotspot for intronic variants due to the presence of a distant splicing branch point (PMID: 29255276). Additional information: This variant is heterozygous; This gene is associated with autosomal dominant disease; In silico prediction for abnormal splicing and nucleotide conservation are conflicting; Loss of function is a known mechanism of disease in this gene and is associated with CHARGE syndrome (MIM#214800) and hypogonadotropic hypogonadism 5 with or without anosmia (MIM#612370); Variants in this gene are known to have variable expressivity (PMID: 20301296); Inheritance information for this variant is not currently available in this individual.

GeneDx
Classification: Pathogenic. Last evaluated: 2023-07-19. Review status: criteria provided, single submitter. Criteria: GeneDx Variant Classification Process June 2021. Collection method: clinical testing. Allele origin: germline. Affected: yes.
Comment: Published functional studies show variant leads to an in-frame insertion of 5 amino acids in a non-repeat region (Vuorela et al., 2007; Legendre et al., 2018); Not observed at significant frequency in large population cohorts (gnomAD); This variant is associated with the following publications: (PMID: 31965297, 18073582, 26411921, 22033296, 16155193, 26538304, 27321065, 14626219, 28492532, 29255276, 15666308, 31289371, 22539353, 23849776, 26544072, 26590800, 25472840, 17661815, 22461308, 21532573, 21378379, 20186815, 20130577, 17299439, 10590394, 16400610, 18834967, 29304373, 15300250, 31216405, 30176936, 32411386, 32326958, 35904121, 33502061, 36151134)

Women's Health and Genetics/Laboratory Corporation of America, LabCorp
Classification: Pathogenic for Hypogonadotropic hypogonadism 5 with or without anosmia. Last evaluated: 2023-05-24. Review status: criteria provided, single submitter. Criteria: LabCorp Variant Classification Summary - May 2015. Collection method: clinical testing. Allele origin: germline.
Comment: Variant summary: CHD7 c.5405-17G>A alters a non-conserved nucleotide located close to a canonical splice site and therefore could affect mRNA splicing, leading to a significantly altered protein sequence. Several computational tools predict a significant impact on normal splicing: Four predict the variant creates a 3 acceptor site. Multiple reports have shown experimental evidence that this variant affects mRNA splicing and activates the alternative 3 splice site (examples: Aref-Eshgh_2018 and Legendre_2018). The variant was absent in 246432 control chromosomes (gnomAD). c.5405-17G>A has been reported in the literature in multiple individuals affected with CHARGE syndrome (examples: Jongmans_2006, Janssen_2012, Aref-Eshgh_AJHG_2018, Wang_2020). Additionally, each of these publications have reported at-least one case as a de novo occurrence (examples: Jongmans_2006, Janssen_2012, Aref-Eshgh_AJHG_2018, Wang_2020). These data indicate that the variant is very likely to be associated with disease. The following publications have been ascertained in the context of this evaluation (PMID: 29255276, 29304373, 22461308, 16155193, 31965297). Eleven clinical diagnostic laboratories have submitted clinical-significance assessments for this variant to ClinVar after 2014 and all classified the variant as pathogenic/likely pathogenic. Based on the evidence outlined above, the variant was classified as pathogenic.

CeGaT Center for Human Genetics Tuebingen
Classification: Pathogenic. Last evaluated: 2022-07-01. Review status: criteria provided, single submitter. Criteria: CeGaT Center For Human Genetics Tuebingen Variant Classification Criteria Version 2. Collection method: clinical testing. Allele origin: germline. Affected: yes. Observed: 1 variant allele.
Comment: CHD7: PS2, PM2, PS3:Moderate, PS4:Moderate

3billion
Classification: Pathogenic for CHD7-related CHARGE syndrome. Last evaluated: 2022-03-22. Review status: criteria provided, single submitter. Criteria: ACMG Guidelines, 2015. Collection method: clinical testing. Allele origin: germline. Affected: yes. Observed: 1 heterozygote.
Comment: The variant has been reported at least twice as pathogenic/likely pathogenic with clinical assertions and evidence for the classification (ClinVar ID: VCV000195978) It has been observed in multiple (>3) similarly affected unrelated individuals (PMID: 18073582, 16155193, 22033296, 26544072, 3bilion dataset). In silico tools predict the variant to alter splicing and produce an abnormal transcript (SPLICEAI: 1.0>=0.8). It is not observed in the gnomAD v2.1.1 dataset. Therefore, this variant is classified as pathogenic according to the recommendation of ACMG/AMP guideline.

Athena Diagnostics
Classification: Pathogenic. Last evaluated: 2020-11-05. Review status: criteria provided, single submitter. Criteria: Athena Diagnostics Criteria. Collection method: clinical testing. Allele origin: unknown.
Comment: This variant has not been reported in large, multi-ethnic general populations. Computational tools yielded predictions that this variant may result in the gain of a cryptic splice site resulting in the insertion of five amino acid residues (PMID 29255276).This observation is not an independent occurrence and has been identified in the same individual by RCIGM, the other laboratory participating in the GEMINI study.

Center for Molecular Medicine, Children’s Hospital of Fudan University
Classification: Pathogenic for CHD7-related CHARGE syndrome. Last evaluated: 2019-05-10. Review status: criteria provided, single submitter. Criteria: ACMG Guidelines, 2015. Collection method: clinical testing. Allele origin: de novo. Affected: yes.

Eurofins Ntd Llc (ga)
Classification: Pathogenic. Last evaluated: 2018-02-27. Review status: criteria provided, single submitter. Criteria: EGL ClinVar v180209 classification definitions. Collection method: clinical testing. Allele origin: germline. Observed: 2 variant alleles, 2 heterozygotes.

Baylor Genetics
Classification: Pathogenic for CHD7-related CHARGE syndrome; Hypogonadotropic hypogonadism 5 with or without anosmia. Last evaluated: 2017-12-31. Review status: criteria provided, single submitter. Criteria: ACMG Guidelines, 2015. Collection method: clinical testing. Allele origin: germline. Affected: yes.

Laboratoire de Genetique Biologique, CHU de Poitiers
Classification: Pathogenic for CHD7-related CHARGE syndrome. Last evaluated: 2017-05-05. Review status: criteria provided, single submitter. Criteria: ACMG Guidelines, 2015. Collection method: in vitro. Allele origin: not applicable. Inheritance: Autosomal dominant inheritance.
Comment: Found de novo on many CHARGE syndrome Patients. Minigene assays confirm the pathogenic effect on splicing mechanism

Clinical Genetics DNA and cytogenetics Diagnostics Lab, Erasmus MC, Erasmus Medical Center
Classification: Pathogenic. Review status: no assertion criteria provided. Collection method: clinical testing. Allele origin: germline. Affected: yes. Study: VKGL Data-share Consensus. Not counted in ClinVar's aggregate classification.

Joint Genome Diagnostic Labs from Nijmegen and Maastricht, Radboudumc and MUMC+
Classification: Pathogenic. Review status: no assertion criteria provided. Collection method: clinical testing. Allele origin: germline. Affected: yes. Study: VKGL Data-share Consensus. Not counted in ClinVar's aggregate classification.

Literature cited by the submitters: PubMed 16155193 (cited by 6 submitters); PubMed 18073582 (cited by Ambry Genetics and 3billion); PubMed 20884005 (cited by Ambry Genetics and Eurofins Ntd Llc (ga)); PubMed 22033296 (cited by 4 submitters); PubMed 26538304 (cited by 3 submitters); PubMed 26544072 (cited by 3 submitters); PubMed 20301296 (cited by Victorian Clinical Genetics Services, Murdoch Childrens Research Institute); PubMed 29255276 (cited by Victorian Clinical Genetics Services, Murdoch Childrens Research Institute and Women's Health and Genetics/Laboratory Corporation of America, LabCorp); PubMed 22461308 (cited by Women's Health and Genetics/Laboratory Corporation of America, LabCorp); PubMed 31965297 (cited by Women's Health and Genetics/Laboratory Corporation of America, LabCorp); PubMed 29304373 (cited by Women's Health and Genetics/Laboratory Corporation of America, LabCorp); CHARGE Syndrome clinical diagnosis (cited by Laboratoire de Genetique Biologique, CHU de Poitiers).